The following is an entry in ClinVar:

ClinVar aggregate classification (germline): Uncertain significance. Review status: criteria provided, multiple submitters, no conflicts (2 of 4 stars). 4 submissions from 4 submitters: Uncertain significance (4). Last evaluated 2025-06-29.

Conditions:
Atrial septal defect 3 (ASD3). Identifiers: Orphanet 1478, MedGen C3279790, MONDO:0013567, OMIM 614089.
Sick sinus syndrome 3, susceptibility to (SSS3). Identifiers: Orphanet 166282, MedGen C3279791, MONDO:0013568, OMIM 614090.
Dilated cardiomyopathy 1EE (CMD1EE). Identifiers: Orphanet 154, MedGen C2750466, MONDO:0013198, OMIM 613252.
Hypertrophic cardiomyopathy 14. Identifiers: MedGen C2750467, MONDO:0013197, OMIM 613251.
Hypertrophic cardiomyopathy 1 (CMH1). Also called: MYH7-Related Familial Hypertrophic Cardiomyopathy; Familial hypertrophic cardiomyopathy 1. Identifiers: MedGen C3495498, MONDO:0008647, OMIM 192600.
Cardiovascular phenotype. Identifiers: MedGen CN230736.

Allele frequency attached by ClinVar (database versions not stated): gnomAD 0.00001 and 0.00007; gnomAD exomes 0.00004 and 0.00006; TOPMed 0.00004; ExAC 0.00008; ESP Exome Variant Server 0.00008; 1000 Genomes Project 30x 0.00016; 1000 Genomes Project 0.00020.
gnomAD v4.1: 69 of 1,613,554 alleles (0.0043%); highest among the groups gnomAD compares: South Asian, 0.034%; no homozygotes.

Submissions (4):

Labcorp Genetics (formerly Invitae), Labcorp
Classification: Uncertain significance for Hypertrophic cardiomyopathy 14. Last evaluated: 2025-06-29. Review status: criteria provided, single submitter. Criteria: Invitae Variant Classification Sherloc (09022015). Collection method: clinical testing. Allele origin: germline.
Comment: This sequence change replaces arginine, which is basic and polar, with glutamine, which is neutral and polar, at codon 1820 of the MYH6 protein (p.Arg1820Gln). This variant is present in population databases (rs371222772, gnomAD 0.03%). This missense change has been observed in individual(s) with clinical features of MYH6-related conditions (PMID: 31534214, 36303204). ClinVar contains an entry for this variant (Variation ID: 1038078). Invitae Evidence Modeling of protein sequence and biophysical properties (such as structural, functional, and spatial information, amino acid conservation, physicochemical variation, residue mobility, and thermodynamic stability) has been performed for this missense variant. However, the output from this modeling did not meet the statistical confidence thresholds required to predict the impact of this variant on MYH6 protein function. In summary, the available evidence is currently insufficient to determine the role of this variant in disease. Therefore, it has been classified as a Variant of Uncertain Significance.

Ambry Genetics
Classification: Uncertain significance for Cardiovascular phenotype. Last evaluated: 2024-06-25. Review status: criteria provided, single submitter. Criteria: Ambry Variant Classification Scheme 2023. Collection method: clinical testing. Allele origin: germline.
Comment: The p.R1820Q variant (also known as c.5459G>A), located in coding exon 34 of the MYH6 gene, results from a G to A substitution at nucleotide position 5459. The arginine at codon 1820 is replaced by glutamine, an amino acid with highly similar properties. This variant has been detected in individuals from sudden death cohorts who had additional variants in other cardiac related genes, including an individual with hypertrophic cardiomyopathy and a frameshift variant in MYBPC3 (Subbotina E et al. Forensic Sci. Int., 2018 Dec;293:37-46; Lahrouchi N et al. Eur. J. Hum. Genet., 2020 Jan;28:17-22). This variant has also been reported in a pediatric cardiomyopathy cohort and arrhythmia cohort (Ware SM et al. Am J Hum Genet, 2022 Feb;109:282-298; Chen J et al. Orphanet J Rare Dis, 2022 Oct;17:394). This amino acid position is well conserved in available vertebrate species; however, glutamine is the reference amino acid in other vertebrate species. In addition, the in silico prediction for this alteration is inconclusive. Since supporting evidence is limited at this time, the clinical significance of this alteration remains unclear.

Clinical Genomics Laboratory, Stanford Medicine
Classification: Uncertain significance for Dilated cardiomyopathy 1EE; Hypertrophic cardiomyopathy 14. Last evaluated: 2022-03-04. Review status: criteria provided, single submitter. Criteria: ACMG Guidelines, 2015. Collection method: clinical testing. Allele origin: germline. Observed: 1 variant allele, 1 heterozygote.
Comment: The p.Arg1820Gln variant in the MYH6 gene has been previously reported in an individual with hypertrophic cardiomyopathy who underwent postmortem genetic testing. However, a truncating, likely pathogenic variant in MYBPC3 (p.S18Tfs*31) was also identified in this individual (Lahrouchi et al., 2020). This variant has been identified in 8/30,614 South Asian chromosomes (15/282,834 chromosomes overall) by the Genome Aggregation Database. Although this variant has been seen in the general population, it has not been observed at a frequency high enough to rule out pathogenicity. The arginine at position 1820 is moderately evolutionarily conserved and a glutamine is seen at this position is several vertebrate species. Computational tools predict that the p.Arg1820Gln variant is deleterious; however, the accuracy of in silico algorithms is limited. These data were assessed using the ACMG/AMP variant interpretation guidelines. In summary, the significance of the p.Arg1820Gln variant is uncertain. Additional information is needed to resolve the significance of this variant. [ACMG evidence codes used: PP3]

Fulgent Genetics
Classification: Uncertain significance for Hypertrophic cardiomyopathy 1; Hypertrophic cardiomyopathy 14; Dilated cardiomyopathy 1EE; Atrial septal defect 3; Sick sinus syndrome 3, susceptibility to. Last evaluated: 2021-07-28. Review status: criteria provided, single submitter. Criteria: ACMG Guidelines, 2015. Collection method: clinical testing. Allele origin: unknown.

Literature cited by the submitters: PubMed 31534214 (cited by 3 submitters); PubMed 36303204 (cited by Labcorp Genetics (formerly Invitae), Labcorp and Ambry Genetics); PubMed 29420653 (cited by Ambry Genetics); PubMed 30391667 (cited by Ambry Genetics); PubMed 35026164 (cited by Ambry Genetics).

NM_002471.4(MYH6):c.5459G>A (p.Arg1820Gln)

Gene: MYH6 (myosin heavy chain 6; minus strand). Cytogenetic location: 14q11.2.
Variant type: single nucleotide variant.
Coding change: c.5459G>A on transcript NM_002471.4 (MANE Select); coding-DNA position 5459, G replaced by A.
Protein change: p.Arg1820Gln; replaces arginine 1820 with glutamine.
Molecular consequence: missense variant.
Genome position (GRCh38, 1-based): chr14:23,384,548, C>T on the plus strand (G>A on the coding strand, the complement: MYH6 is on the minus strand). VCF-style: chr14-23384548-C-T. GRCh37 (hg19) VCF-style: chr14-23853757-C-T.
Other names: c.5459G>A (NM_002471.3); short protein forms R1820Q.
Identifiers: ClinVar variation 1038078 (VCV001038078.9), dbSNP rs371222772, ClinGen allele CA7114429.